The following is an entry in ClinVar:

NC_000016.10:g.(23614092_23621361)_(23641357_?)del

Gene: PALB2 (partner and localizer of BRCA2; minus strand). Cytogenetic location: 16p12.2.
Variant type: Deletion.
Identifiers: ClinVar variation 830081 (VCV000830081.1).

ClinVar aggregate classification (germline): Pathogenic (0 of 4 stars; one submission).

Conditions:
Fanconi anemia complementation group N. Also called: PALB2-Related Fanconi Anemia. Identifiers: Orphanet 84, MedGen C1835817, MONDO:0012565, OMIM 610832. Disease mechanism: loss of function.

Submission:

Leiden Open Variation Database
Classification: Pathogenic for Fanconi anemia complementation group N. Last evaluated: 2019-05-13. Review status: no assertion criteria provided. Collection method: curation. Allele origin: germline. Affected: yes.
Comment: Curators: Marc Tischkowitz, Arleen D. Auerbach. Submitters to LOVD: Johan de Winter, LOVD-team, but with Curator vacancy.

Literature cited by the submitters: PubMed 17924555.